The following is an entry in ClinVar:

NM_004006.3(DMD):c.2622+2T>G

Gene: DMD (dystrophin; minus strand). Cytogenetic location: Xp21.1.
Variant type: single nucleotide variant.
Coding change: c.2622+2T>G on transcript NM_004006.3 (MANE Select); the canonical splice donor site of the intron after coding-DNA position 2622, T replaced by G.
Molecular consequence: splice donor variant.
Genome position (GRCh38, 1-based): chrX:32,491,275, A>C on the plus strand (T>G on the coding strand, the complement: DMD is on the minus strand). VCF-style: chrX-32491275-A-C. GRCh37 (hg19) VCF-style: chrX-32509392-A-C.
Other names: c.2598+2T>G (NM_000109.4); c.2610+2T>G (NM_004009.3); c.2253+2T>G (NM_004010.3).
Identifiers: ClinVar variation 2583136 (VCV002583136.1), dbSNP rs2525047217, ClinGen allele CA412671770.

ClinVar aggregate classification (germline): Likely pathogenic (1 of 4 stars; one submission).

Conditions:
Duchenne muscular dystrophy (DMD). Also called: Duchenne Muscular Dystrophy (DMD); MUSCULAR DYSTROPHY, PSEUDOHYPERTROPHIC PROGRESSIVE, DUCHENNE TYPE. Identifiers: Orphanet 98896, MedGen C0013264, MONDO:0010679, OMIM 310200.

Submission:

Human Genetics Bochum, Ruhr University Bochum
Classification: Likely pathogenic for Duchenne muscular dystrophy. Last evaluated: 2023-02-01. Review status: criteria provided, single submitter. Criteria: ACMG Guidelines, 2015. Collection method: clinical testing. Allele origin: germline. Affected: yes.
Comment: ACMG criteria used to clasify this variant: PVS1, PM2_SUP